The following is an entry in ClinVar:

NM_000070.3(CAPN3):c.536A>G (p.Asp179Gly)

Gene: CAPN3 (calpain 3; plus strand). Cytogenetic location: 15q15.1.
Variant type: single nucleotide variant.
Coding change: c.536A>G on transcript NM_000070.3 (MANE Select); coding-DNA position 536, A replaced by G.
Protein change: p.Asp179Gly; replaces aspartic acid 179 with glycine.
Molecular consequence: missense variant.
Genome position (GRCh38, 1-based): chr15:42,387,790, A>G. VCF-style: chr15-42387790-A-G. GRCh37 (hg19) VCF-style: chr15-42679988-A-G.
Other names: c.536A>G, p.Asp179Gly (NM_024344.2, NM_173087.2); short protein forms D179G.
Identifiers: ClinVar variation 286581 (VCV000286581.6), dbSNP rs886043429, ClinGen allele CA10605511.

ClinVar aggregate classification (germline): Uncertain significance. Review status: criteria provided, multiple submitters, no conflicts (2 of 4 stars). 2 submissions from 2 submitters: Uncertain significance (2). Last evaluated 2025-09-24.

Conditions:
Autosomal recessive limb-girdle muscular dystrophy type 2A (LGMDR1). Also called: Calpainopathy; MUSCULAR DYSTROPHY, PELVOFEMORAL; Limb-girdle muscular dystrophy, type 2A; Muscular dystrophy, limb-girdle, type 2A, Amish; LEYDEN-MOEBIUS MUSCULAR DYSTROPHY. Identifiers: Orphanet 267, MedGen C1869123, MONDO:0009675, OMIM 253600. Disease mechanism: loss of function.

Allele frequency attached by ClinVar (database versions not stated): TOPMed below 0.00001.

Submissions (2):

Labcorp Genetics (formerly Invitae), Labcorp
Classification: Uncertain significance for Autosomal recessive limb-girdle muscular dystrophy type 2A. Last evaluated: 2025-09-24. Review status: criteria provided, single submitter. Criteria: Invitae Variant Classification Sherloc (09022015). Collection method: clinical testing. Allele origin: germline.
Comment: This sequence change replaces aspartic acid, which is acidic and polar, with glycine, which is neutral and non-polar, at codon 179 of the CAPN3 protein (p.Asp179Gly). This variant is not present in population databases (gnomAD no frequency). This missense change has been observed in individual(s) with clinical features of autosomal dominant limb-girdle muscular dystrophy (PMID: 35239206). ClinVar contains an entry for this variant (Variation ID: 286581). Invitae Evidence Modeling of protein sequence and biophysical properties (such as structural, functional, and spatial information, amino acid conservation, physicochemical variation, residue mobility, and thermodynamic stability) indicates that this missense variant is expected to disrupt CAPN3 protein function with a positive predictive value of 80%. In summary, the available evidence is currently insufficient to determine the role of this variant in disease. Therefore, it has been classified as a Variant of Uncertain Significance.

Eurofins Ntd Llc (ga)
Classification: Uncertain significance. Last evaluated: 2016-03-10. Review status: criteria provided, single submitter. Criteria: EGL Classification Definitions 2015. Collection method: clinical testing. Allele origin: germline. Observed: 2 variant alleles, 2 heterozygotes.

Literature cited by the submitters: PubMed 35239206 (cited by Labcorp Genetics (formerly Invitae), Labcorp).